The following is an entry in ClinVar:

NM_001008537.3(NEXMIF):c.2892C>A (p.Tyr964Ter)

Gene: NEXMIF (neurite extension and migration factor; minus strand). Cytogenetic location: Xq13.3.
Variant type: single nucleotide variant.
Coding change: c.2892C>A on transcript NM_001008537.3 (MANE Select); coding-DNA position 2892, C replaced by A.
Protein change: p.Tyr964Ter; replaces tyrosine 964 with a stop codon.
Molecular consequence: nonsense.
Genome position (GRCh38, 1-based): chrX:74,741,665, G>T on the plus strand (C>A on the coding strand, the complement: NEXMIF is on the minus strand). VCF-style: chrX-74741665-G-T. GRCh37 (hg19) VCF-style: chrX-73961500-G-T.
Other names: short protein forms Y964*.
Identifiers: ClinVar variation 4728627 (VCV004728627.1).

ClinVar aggregate classification (germline): Pathogenic (1 of 4 stars; one submission).

Submission:

Labcorp Genetics (formerly Invitae), Labcorp
Classification: Pathogenic. Last evaluated: 2025-10-07. Review status: criteria provided, single submitter. Criteria: Invitae Variant Classification Sherloc (09022015). Collection method: clinical testing. Allele origin: germline.
Comment: This sequence change creates a premature translational stop signal (p.Tyr964*) in the NEXMIF gene. It is expected to result in an absent or disrupted protein product. Loss-of-function variants in NEXMIF are known to be pathogenic (PMID: 23615299). This variant is not present in population databases (gnomAD no frequency). This premature translational stop signal has been observed in individual(s) with epilepsy (PMID: 31440721). For these reasons, this variant has been classified as Pathogenic.

Literature cited by the submitters: PubMed 23615299; PubMed 31440721.